The following is an entry in ClinVar:

NM_002076.4(GNS):c.1200+5_1200+7del

Gene: GNS (glucosamine (N-acetyl)-6-sulfatase; minus strand). Cytogenetic location: 12q14.3.
Variant type: Deletion.
Coding change: c.1200+5_1200+7del on transcript NM_002076.4 (MANE Select); bases 5 to 7 of the intron after coding-DNA position 1200, 3 bases deleted (GTA; older notation c.1200+5_1200+7delGTA).
Molecular consequence: intron variant.
Genome position (GRCh38, 1-based): chr12:64,728,949-64,728,951, TAC deleted on the plus strand (GTA on the coding strand, the reverse complement: GNS is on the minus strand); deleting any 3 consecutive bases within chr12:64,728,949-64,728,952 gives the same sequence; the c. name uses the placement nearest the transcript's 3' end. VCF-style (leftmost placement, unchanged base first): chr12-64728948-ATAC-A. GRCh37 (hg19) VCF-style: chr12-65122728-ATAC-A.
Identifiers: ClinVar variation 1364434 (VCV001364434.6), dbSNP rs2136240506, ClinGen allele CA2573148978.
Genomic context (GRCh38, chr12:64,728,948, plus strand): 5'-TAAGTCTTTACACAACCCAGAATTTATTGCGGTCTTGGCTCAGGCCTGATTGAGGGCGCT[ATAC>A]TTACCAAAATGGGCAATAAGGACATCCCATCCATCTGTGTCTTATTTAGGTCGTAGCCAG-3'

ClinVar aggregate classification (germline): Uncertain significance (1 of 4 stars; one submission).

Conditions:
Mucopolysaccharidosis, MPS-III-D (MPS3D). Also called: Mucopoly-saccharidosis type 3D; N-acetylglucosamine-6-sulfate sulfatase deficiency; MPS 3D; MPS IIID (Sanfilippo Syndrome Type D); MUCOPOLYSACCHARIDOSIS, TYPE IIID; N-ACETYLGLUCOSAMINE-6-SULFATASE DEFICIENCY. Identifiers: Orphanet 581, Orphanet 79272, MedGen C0086650, MONDO:0009658, OMIM 252940.

Submission:

Labcorp Genetics (formerly Invitae), Labcorp
Classification: Uncertain significance for Mucopolysaccharidosis, MPS-III-D. Last evaluated: 2021-08-20. Review status: criteria provided, single submitter. Criteria: Invitae Variant Classification Sherloc (09022015). Collection method: clinical testing. Allele origin: germline.
Comment: In summary, the available evidence is currently insufficient to determine the role of this variant in disease. Therefore, it has been classified as a Variant of Uncertain Significance. Nucleotide substitutions within the consensus splice site are a relatively common cause of aberrant splicing (PMID: 17576681, 9536098). Algorithms developed to predict the effect of sequence changes on RNA splicing suggest that this variant may disrupt the consensus splice site. This variant has not been reported in the literature in individuals affected with GNS-related conditions. This variant is not present in population databases (ExAC no frequency). This sequence change falls in intron 10 of the GNS gene. It does not directly change the encoded amino acid sequence of the GNS protein. It affects a nucleotide within the consensus splice site of the intron.

Literature cited by the submitters: PubMed 17576681; PubMed 9536098.